The following is an entry in ClinVar:

NM_015338.6(ASXL1):c.3739C>T (p.Arg1247Cys)

Gene: ASXL1 (ASXL transcriptional regulator 1; plus strand). Cytogenetic location: 20q11.21.
Variant type: single nucleotide variant.
Coding change: c.3739C>T on transcript NM_015338.6 (MANE Select); coding-DNA position 3739, C replaced by T.
Protein change: p.Arg1247Cys; replaces arginine 1247 with cysteine.
Molecular consequence: missense variant.
Genome position (GRCh38, 1-based): chr20:32,436,451, C>T. VCF-style: chr20-32436451-C-T. GRCh37 (hg19) VCF-style: chr20-31024254-C-T.
Other names: c.3556C>T, p.Arg1186Cys (NM_001363734.1); short protein forms R1186C, R1247C.
Identifiers: ClinVar variation 720800 (VCV000720800.17), dbSNP rs146747814, ClinGen allele CA9808888.

ClinVar aggregate classification (germline): Benign/Likely benign. Review status: criteria provided, multiple submitters, no conflicts (2 of 4 stars). 5 submissions from 5 submitters: Benign (2); Likely benign (2). 1 of the submissions does not count toward it. Last evaluated 2026-01-12.

Conditions:
ASXL1-related disorder. Also called: ASXL1-related condition; ASXL1-related disorders.
Bohring-Opitz syndrome. Also called: OPITZ TRIGONOCEPHALY-LIKE SYNDROME; C-LIKE SYNDROME; BOHRING SYNDROME; ASXL1-Related Bohring-Opitz Syndrome. Identifiers: Orphanet 97297, MedGen C0796232, MONDO:0011510, OMIM 605039.

Allele frequency attached by ClinVar (database versions not stated): gnomAD exomes 0.00028; ExAC 0.00036; 1000 Genomes Project 30x 0.00078; 1000 Genomes Project 0.00080; ESP Exome Variant Server 0.00108; gnomAD 0.00113 and 0.00126; TOPMed 0.00119.
gnomAD v4.1: 371 of 1,614,092 alleles (0.023%); highest among the groups gnomAD compares: African/African-American, 0.39%; no homozygotes.

Submissions (5):

Labcorp Genetics (formerly Invitae), Labcorp
Classification: Likely benign. Last evaluated: 2026-01-12. Review status: criteria provided, single submitter. Criteria: Invitae Variant Classification Sherloc (09022015). Collection method: clinical testing. Allele origin: germline.

Genome-Nilou Lab
Classification: Benign for Bohring-Opitz syndrome. Last evaluated: 2021-12-05. Review status: criteria provided, single submitter. Criteria: ACMG Guidelines, 2015. Collection method: clinical testing. Allele origin: germline. Affected: no.

GeneDx
Classification: Benign. Last evaluated: 2019-04-11. Review status: criteria provided, single submitter. Criteria: GeneDx Variant Classification Process June 2021. Collection method: clinical testing. Allele origin: germline. Affected: yes.

Breakthrough Genomics
Classification: Likely benign. Review status: criteria provided, single submitter. Criteria: ACMG Guidelines, 2015. Collection method: not provided. Allele origin: germline. Inheritance: Autosomal dominant inheritance. Affected: yes.

PreventionGenetics, part of Exact Sciences
Classification: Benign for ASXL1-related condition. Last evaluated: 2019-06-07. Review status: no assertion criteria provided. Collection method: clinical testing. Allele origin: germline. Not counted in ClinVar's aggregate classification.
Comment: This variant is classified as benign based on ACMG/AMP sequence variant interpretation guidelines (Richards et al. 2015 PMID: 25741868, with internal and published modifications).